The following is an entry in ClinVar:

ClinVar aggregate classification (germline): Uncertain significance (1 of 4 stars; one submission).

Conditions:
Congenital disorder of deglycosylation (CDDG). Identifiers: MedGen C3808991, MONDO:0031376.

Allele frequency attached by ClinVar (database versions not stated): TOPMed below 0.00001; gnomAD 0.00001.
gnomAD v4.1: 7 of 1,613,898 alleles (0.00043%); highest among the groups gnomAD compares: Middle Eastern, 0.033%; no homozygotes.

Submission:

Labcorp Genetics (formerly Invitae), Labcorp
Classification: Uncertain significance for Congenital disorder of deglycosylation. Last evaluated: 2022-01-16. Review status: criteria provided, single submitter. Criteria: Invitae Variant Classification Sherloc (09022015). Collection method: clinical testing. Allele origin: germline.
Comment: This sequence change replaces alanine, which is neutral and non-polar, with glycine, which is neutral and non-polar, at codon 285 of the NGLY1 protein (p.Ala285Gly). This variant is not present in population databases (gnomAD no frequency). This variant has not been reported in the literature in individuals affected with NGLY1-related conditions. ClinVar contains an entry for this variant (Variation ID: 841456). Algorithms developed to predict the effect of missense changes on protein structure and function (SIFT, PolyPhen-2, Align-GVGD) all suggest that this variant is likely to be tolerated. In summary, the available evidence is currently insufficient to determine the role of this variant in disease. Therefore, it has been classified as a Variant of Uncertain Significance.

NM_018297.4(NGLY1):c.854C>G (p.Ala285Gly)

Gene: NGLY1 (N-glycanase 1; minus strand). Cytogenetic location: 3p24.2.
Variant type: single nucleotide variant.
Coding change: c.854C>G on transcript NM_018297.4 (MANE Select); coding-DNA position 854, C replaced by G.
Protein change: p.Ala285Gly; replaces alanine 285 with glycine.
Molecular consequence: missense variant.
Genome position (GRCh38, 1-based): chr3:25,739,604, G>C on the plus strand (C>G on the coding strand, the complement: NGLY1 is on the minus strand). VCF-style: chr3-25739604-G-C. GRCh37 (hg19) VCF-style: chr3-25781095-G-C.
Other names: c.854C>G, p.Ala285Gly (NM_001145293.2, NM_001145295.2); c.728C>G, p.Ala243Gly (NM_001145294.2); short protein forms A285G, A243G.
Identifiers: ClinVar variation 841456 (VCV000841456.4), dbSNP rs1354557048, ClinGen allele CA351902394.